The following is an entry in ClinVar:

NM_001290060.2(SEMA3B):c.1401T>G (p.Ser467Arg)

Gene: SEMA3B (semaphorin 3B; plus strand). Cytogenetic location: 3p21.31.
Variant type: single nucleotide variant.
Coding change: c.1401T>G on transcript NM_001290060.2 (MANE Select); coding-DNA position 1401, T replaced by G.
Protein change: p.Ser467Arg; replaces serine 467 with arginine.
Molecular consequence: missense variant. On other transcripts: non-coding transcript variant (1).
Genome position (GRCh38, 1-based): chr3:50,274,886, T>G. VCF-style: chr3-50274886-T-G. GRCh37 (hg19) VCF-style: chr3-50312317-T-G.
Other names: c.1398T>G, p.Ser466Arg (NM_001005914.3, NM_001435957.1, NM_001435958.1); c.1416T>G, p.Ser472Arg (NM_001290061.1); c.372T>G, p.Ser124Arg (NM_001290062.2, NM_001290063.2); c.1401T>G, p.Ser467Arg (NM_001435956.1, NM_004636.4); short protein forms S124R, S466R, S467R, S472R.
Identifiers: ClinVar variation 4988096 (VCV004988096.1).

ClinVar aggregate classification (germline): Uncertain significance (1 of 4 stars; one submission).

Conditions:
SEMA3B-related disorder. Also called: SEMA3B-related condition.

Submission:

PreventionGenetics, part of Exact Sciences
Classification: Uncertain significance for SEMA3B-related condition. Last evaluated: 2025-02-05. Review status: criteria provided, single submitter. Criteria: ACMG Guidelines, 2015. Collection method: clinical testing. Allele origin: germline.
Comment: The SEMA3B c.1416T>G variant is predicted to result in the amino acid substitution p.Ser472Arg. To our knowledge, this variant has not been reported in the literature or in gnomAD, indicating this variant is rare. At this time, the clinical significance of this variant is uncertain due to the absence of conclusive functional and genetic evidence.